The following is an entry in ClinVar:

ClinVar aggregate classification (germline): Pathogenic. Review status: criteria provided, multiple submitters, no conflicts (2 of 4 stars). 4 submissions from 4 submitters: Pathogenic (4). Last evaluated 2026-04-13.

Conditions:
Epidermolysis bullosa dystrophica. Also called: Dystrophic epidermolysis bullosa; Dystrophic epidermolysis bullosa, Hallopeau-Siemens type (formerly). Identifiers: Orphanet 303, MedGen C0079294, MONDO:0006543.
Recessive dystrophic epidermolysis bullosa (RDEB). Also called: DYSTROPHIC EPIDERMOLYSIS BULLOSA, AUTOSOMAL RECESSIVE; EPIDERMOLYSIS BULLOSA DYSTROPHICA, HALLOPEAU-SIEMENS TYPE; severe generalized recessive dystrophic epidermolysis bullosa; EPIDERMOLYSIS BULLOSA DYSTROPHICA, GENERALIZED SEVERE, AUTOSOMAL RECESSIVE; epidermolysis bullosa dystrophica, autosomal recessive; Epidermolysis Bullosa Distrophica Autosomal Recessive (RDEB). Identifiers: Orphanet 79408, Orphanet 79409, MedGen C0079474, MONDO:0009179, OMIM 226600.

Submissions (4):

Myriad Genetics, Inc.
Classification: Pathogenic for Recessive dystrophic epidermolysis bullosa. Last evaluated: 2026-04-13. Review status: criteria provided, single submitter. Criteria: Myriad Autosomal Dominant, Autosomal Recessive and X-Linked Classification Criteria (2023). Collection method: clinical testing. Allele origin: unknown.
Comment: NM_000094.3(COL7A1):c.3376_3386del11(Y1126Kfs*38) is expected to be pathogenic in the context of dystrophic epidermolysis bullosa. This variant is predicted to lead to an abnormal or absent protein product due to the creation of a premature termination codon in COL7A1, a gene where loss-of-function variants are known to be pathogenic. Please note: this variant was assessed in the context of healthy population screening.

Labcorp Genetics (formerly Invitae), Labcorp
Classification: Pathogenic. Last evaluated: 2026-01-24. Review status: criteria provided, single submitter. Criteria: Invitae Variant Classification Sherloc (09022015). Collection method: clinical testing. Allele origin: germline.
Comment: This sequence change creates a premature translational stop signal (p.Tyr1126Lysfs*38) in the COL7A1 gene. It is expected to result in an absent or disrupted protein product. Loss-of-function variants in COL7A1 are known to be pathogenic (PMID: 16971478). This variant is present in population databases (rs765699235, gnomAD 0.007%). This premature translational stop signal has been observed in individual(s) with COL7A1-related conditions (PMID: 34930662). ClinVar contains an entry for this variant (Variation ID: 689616). Algorithms developed to predict the effect of sequence changes on RNA splicing suggest that this variant may disrupt the consensus splice site. For these reasons, this variant has been classified as Pathogenic.

Natera, Inc.
Classification: Pathogenic for Dystrophic epidermolysis bullosa. Last evaluated: 2024-07-12. Review status: criteria provided, single submitter. Criteria: Natera Variant Classification Schema (03/2026). Collection method: clinical testing. Allele origin: germline.
Comment: The c.3376_3386del variant in COL7A1 is a frameshift variant predicted to shift the reading frame beginning at codon 1126 and leads to a stop codon 38 codons downstream. This variant is expected to result in nonsense mediated decay, truncation, or a dysfunctional protein product. This variant is rare in the general population with a frequency below the threshold expected for the associated phenotype(s). This variant has been observed in one or more individuals affected with the associated recessive disease, as either homozygous or compound heterozygous with a second variant (PMID: 34930662). Given the available evidence, this variant is classified as Pathogenic.

HudsonAlpha Institute for Biotechnology
Classification: Pathogenic for Recessive dystrophic epidermolysis bullosa. Last evaluated: 2019-04-22. Review status: criteria provided, single submitter. Criteria: ACMG Guidelines, 2015. Collection method: research. Allele origin: unknown. Affected: yes. Observed: 1 variant allele. Study: CSER-SouthSeq.
Comment: ACMG codes: PVS1, PM2, PP4

Literature cited by the submitters: PubMed 16971478 (cited by Labcorp Genetics (formerly Invitae), Labcorp); PubMed 34930662 (cited by Labcorp Genetics (formerly Invitae), Labcorp and Natera, Inc.).

NM_000094.4(COL7A1):c.3376_3386del (p.Tyr1126fs)

Gene: COL7A1 (collagen type VII alpha 1 chain; minus strand). Cytogenetic location: 3p21.31.
Variant type: Deletion.
Coding change: c.3376_3386del on transcript NM_000094.4 (MANE Select); coding-DNA positions 3376 to 3386, 11 bases deleted (TACATGGACCC).
Protein change: p.Tyr1126fs; shifts the reading frame from tyrosine 1126.
Molecular consequence: frameshift variant.
Genome position (GRCh38, 1-based): chr3:48,586,580-48,586,590, GGGTCCATGTA deleted on the plus strand (TACATGGACCC on the coding strand, the reverse complement: COL7A1 is on the minus strand); deleting any 11 consecutive bases within chr3:48,586,580-48,586,593 gives the same sequence; the c. name uses the placement nearest the transcript's 3' end. VCF-style (leftmost placement, unchanged base first): chr3-48586579-TGGGTCCATGTA-T. GRCh37 (hg19) VCF-style: chr3-48624012-TGGGTCCATGTA-T.
Other names: c.3376_3386delTACATGGACCC (NM_000094.3); short protein forms Y1126fs.
Identifiers: ClinVar variation 689616 (VCV000689616.5), dbSNP rs765699235, ClinGen allele CA2380546.
Genomic context (GRCh38, chr3:48,586,579, plus strand): 5'-CCCAGTGGATAGCCCCAGGAGTCCATGCCTGCTGCAGTCCTCACCCAGGTTGTTCCCACT[TGGGTCCATGTA>T]GGGCATGTCACGGATCCTTTGCAAGATAATGCCAAGGTCATGGGAGCCATTCAGTGGGAA-3'